The following is an entry in ClinVar:

ClinVar aggregate classification (germline): Likely benign. Review status: criteria provided, single submitter (1 of 4 stars). 2 submissions from 2 submitters: Likely benign (1). 1 of the submissions does not count toward it. Last evaluated 2023-06-14.

Conditions:
ATP8B1-related disorder. Also called: ATP8B1-related disorders; ATP8B1-related condition.

Allele frequency attached by ClinVar (database versions not stated): gnomAD exomes 0.00001; TOPMed 0.00001.
gnomAD v4.1: 6 of 1,611,478 alleles (0.00037%); highest among the groups gnomAD compares: East Asian, 0.0022%; no homozygotes.

Submissions (2):

Labcorp Genetics (formerly Invitae), Labcorp
Classification: Likely benign. Last evaluated: 2023-06-14. Review status: criteria provided, single submitter. Criteria: Invitae Variant Classification Sherloc (09022015). Collection method: clinical testing. Allele origin: germline.

PreventionGenetics, part of Exact Sciences
Classification: Likely benign for ATP8B1-related condition. Last evaluated: 2023-07-14. Review status: no assertion criteria provided. Collection method: clinical testing. Allele origin: germline. Not counted in ClinVar's aggregate classification.
Comment: This variant is classified as likely benign based on ACMG/AMP sequence variant interpretation guidelines (Richards et al. 2015 PMID: 25741868, with internal and published modifications).

NM_001374385.1(ATP8B1):c.3717G>A (p.Ala1239=)

Genes: ATP8B1-AS1 (ATP8B1 antisense RNA 1; plus strand), ATP8B1 (ATPase phospholipid transporting 8B1; minus strand). Cytogenetic location: 18q21.31.
Variant type: single nucleotide variant.
Coding change: c.3717G>A on transcript NM_001374385.1 (MANE Select); coding-DNA position 3717, G replaced by A.
Protein change: p.Ala1239=; no amino-acid change (alanine 1239 retained).
Molecular consequence: synonymous variant.
Genome position (GRCh38, 1-based): chr18:57,648,527, C>T on the plus strand (G>A on the coding strand, the complement: ATP8B1 is on the minus strand). VCF-style: chr18-57648527-C-T. GRCh37 (hg19) VCF-style: chr18-55315759-C-T.
Other names: c.3567G>A, p.Ala1189= (NM_001374386.1); c.3717G>A, p.Ala1239= (NM_005603.6); c.3717G>A (NM_005603.4).
Identifiers: ClinVar variation 2833443 (VCV002833443.5), dbSNP rs1182499342, ClinGen allele CA504012793.